The following is an entry in ClinVar:

ClinVar aggregate classification (germline): Uncertain significance (1 of 4 stars; one submission).

Conditions:
Gorlin syndrome. Also called: Nevoid Basal Cell Carcinoma Syndrome; Basal cell nevus syndrome. Identifiers: Orphanet 377, MedGen C0004779, MONDO:0007187.

Submission:

Labcorp Genetics (formerly Invitae), Labcorp
Classification: Uncertain significance for Gorlin syndrome. Last evaluated: 2020-10-15. Review status: criteria provided, single submitter. Criteria: Invitae Variant Classification Sherloc (09022015). Collection method: clinical testing. Allele origin: germline.
Comment: This sequence change replaces isoleucine with threonine at codon 385 of the PTCH1 protein (p.Ile385Thr). The isoleucine residue is moderately conserved and there is a moderate physicochemical difference between isoleucine and threonine. This variant is not present in population databases (ExAC no frequency). This variant has not been reported in the literature in individuals with PTCH1-related conditions. Algorithms developed to predict the effect of missense changes on protein structure and function (SIFT, PolyPhen-2, Align-GVGD) all suggest that this variant is likely to be tolerated, but these predictions have not been confirmed by published functional studies and their clinical significance is uncertain. In summary, the available evidence is currently insufficient to determine the role of this variant in disease. Therefore, it has been classified as a Variant of Uncertain Significance.

NM_000264.5(PTCH1):c.1154T>C (p.Ile385Thr)

Gene: PTCH1 (patched 1; minus strand). Cytogenetic location: 9q22.32.
Variant type: single nucleotide variant.
Coding change: c.1154T>C on transcript NM_000264.5 (MANE Select); coding-DNA position 1154, T replaced by C.
Protein change: p.Ile385Thr; replaces isoleucine 385 with threonine.
Molecular consequence: missense variant. On other transcripts: non-coding transcript variant (1).
Genome position (GRCh38, 1-based): chr9:95,479,061, A>G on the plus strand (T>C on the coding strand, the complement: PTCH1 is on the minus strand). VCF-style: chr9-95479061-A-G. GRCh37 (hg19) VCF-style: chr9-98241343-A-G.
Other names: c.956T>C, p.Ile319Thr (NM_001083602.3); c.1151T>C, p.Ile384Thr (NM_001083603.3); c.701T>C, p.Ile234Thr (NM_001083604.3, NM_001083605.3, NM_001083606.3 and 1 more transcripts); c.1154T>C, p.Ile385Thr (NM_001354918.2); short protein forms I234T, I319T, I384T, I385T.
Identifiers: ClinVar variation 1051039 (VCV001051039.9), dbSNP rs2118365611, ClinGen allele CA374119344.